The following is an entry in ClinVar:

ClinVar aggregate classification (germline): Likely benign (1 of 4 stars; one submission).

Allele frequency attached by ClinVar (database versions not stated): gnomAD 0.00015; 1000 Genomes Project 30x 0.00016; TOPMed 0.00019; 1000 Genomes Project 0.00020; ExAC 0.00027.
gnomAD v4.1: 529 of 1,542,772 alleles (0.034%); highest among the groups gnomAD compares: Non-Finnish European, 0.043%; 1 homozygote.

Submission:

CeGaT Center for Human Genetics Tuebingen
Classification: Likely benign. Last evaluated: 2023-02-01. Review status: criteria provided, single submitter. Criteria: CeGaT Center For Human Genetics Tuebingen Variant Classification Criteria Version 2. Collection method: clinical testing. Allele origin: germline. Affected: yes. Observed: 1 variant allele.
Comment: SOCS1: BP4, BP7

NM_003745.2(SOCS1):c.210C>T (p.Ala70=)

Gene: SOCS1 (suppressor of cytokine signaling 1; minus strand). Cytogenetic location: 16p13.13.
Variant type: single nucleotide variant.
Coding change: c.210C>T on transcript NM_003745.2 (MANE Select); coding-DNA position 210, C replaced by T.
Protein change: p.Ala70=; no amino-acid change (alanine 70 retained).
Molecular consequence: synonymous variant.
Genome position (GRCh38, 1-based): chr16:11,255,269, G>A on the plus strand (C>T on the coding strand, the complement: SOCS1 is on the minus strand). VCF-style: chr16-11255269-G-A. GRCh37 (hg19) VCF-style: chr16-11349126-G-A.
Identifiers: ClinVar variation 2646212 (VCV002646212.24), dbSNP rs558823996, ClinGen allele CA7902304.